The following is an entry in ClinVar:

NM_000441.2(SLC26A4):c.1673del (p.Asn558fs)

Gene: SLC26A4 (solute carrier family 26 member 4; plus strand). Cytogenetic location: 7q22.3.
Variant type: Deletion.
Coding change: c.1673del on transcript NM_000441.2 (MANE Select); coding-DNA position 1673, one base deleted (A; older notation c.1673delA).
Protein change: p.Asn558fs; shifts the reading frame from asparagine 558.
Molecular consequence: frameshift variant.
Genome position (GRCh38, 1-based): chr7:107,700,141, A deleted; the last of 2 consecutive A bases (chr7:107,700,140-107,700,141); deleting either gives the same sequence. VCF-style (leftmost placement, unchanged base first): chr7-107700139-CA-C. GRCh37 (hg19) VCF-style: chr7-107340584-CA-C.
Other names: c.1673del (NM_000441.1); short protein forms N558fs.
Identifiers: ClinVar variation 2678903 (VCV002678903.2), dbSNP rs2535335393, ClinGen allele CA2695198372.
Genomic context (GRCh38, chr7:107,700,139, plus strand): 5'-CCAGATTGAAGAACCTCAAGGAGTGAAGATTCTTAGATTTTCCAGTCCTATTTTCTATGG[CA>C]ATGTCGATGGTTTTAAAAAATGTATCAAGTCCACAGTAAGTATTTTATCCCTAGAAATTT-3'

ClinVar aggregate classification (germline): Likely pathogenic. Review status: criteria provided, multiple submitters, no conflicts (2 of 4 stars). 2 submissions from 2 submitters: Likely pathogenic (2). Last evaluated 2024-09-09.

Conditions:
Pendred syndrome (PDS). Also called: THYROID DYSHORMONOGENESIS 2B; THYROID HORMONOGENESIS, GENETIC DEFECT IN, 2B; Pendred Syndrome (PDS); DEAFNESS WITH GOITER; GOITER-DEAFNESS SYNDROME; HYPOTHYROIDISM, CONGENITAL, DUE TO DYSHORMONOGENESIS, 2B. Identifiers: Orphanet 705, MedGen C0271829, MONDO:0010134, OMIM 274600.
Autosomal recessive nonsyndromic hearing loss 4 (DFNB4). Also called: FOXI1-Related Pendred Syndrome; KCNJ10-Related Pendred Syndrome; NEUROSENSORY NONSYNDROMIC RECESSIVE DEAFNESS 4; Deafness, autosomal recessive 4; Nonsyndromic enlarged vestibular aqueduct (NSEVA); DEAFNESS, AUTOSOMAL RECESSIVE 4, WITH ENLARGED VESTIBULAR AQUEDUCT, DIGENIC. Identifiers: Orphanet 90636, MedGen C3538946, MONDO:0010933, OMIM 600791.

Submissions (2):

Natera, Inc.
Classification: Likely pathogenic for Pendred syndrome. Last evaluated: 2024-09-09. Review status: criteria provided, single submitter. Criteria: Natera Variant Classification Schema (03/2026). Collection method: clinical testing. Allele origin: germline.
Comment: The c.1673del variant in SLC26A4 is a frameshift variant predicted to shift the reading frame beginning at codon 558 and leads to a stop codon 25 codons downstream. This variant is expected to result in nonsense mediated decay, truncation, or a dysfunctional protein product. This variant is rare in the general population with a frequency below the threshold expected for the associated phenotype(s). Given the available evidence, this variant is classified as Likely Pathogenic.

Baylor Genetics
Classification: Likely pathogenic for Autosomal recessive nonsyndromic hearing loss 4. Last evaluated: 2023-09-14. Review status: criteria provided, single submitter. Criteria: ACMG Guidelines, 2015. Collection method: clinical testing. Allele origin: unknown.